The following is an entry in ClinVar:

NM_001352027.3(PHF21A):c.916A>G (p.Ser306Gly)

Gene: PHF21A (PHD finger protein 21A; minus strand). Cytogenetic location: 11p11.2.
Variant type: single nucleotide variant.
Coding change: c.916A>G on transcript NM_001352027.3 (MANE Select); coding-DNA position 916, A replaced by G.
Protein change: p.Ser306Gly; replaces serine 306 with glycine.
Molecular consequence: missense variant. On other transcripts: non-coding transcript variant (2).
Genome position (GRCh38, 1-based): chr11:45,965,395, T>C on the plus strand (A>G on the coding strand, the complement: PHF21A is on the minus strand). VCF-style: chr11-45965395-T-C. GRCh37 (hg19) VCF-style: chr11-45986946-T-C.
Other names: c.913A>G, p.Ser305Gly (NM_001101802.3, NM_001352030.3, NM_001352031.3 and 2 more transcripts); c.916A>G, p.Ser306Gly (NM_001352025.3, NM_001352026.3, NM_001352028.1 and 3 more transcripts); c.937A>G, p.Ser313Gly (NM_001441167.1, NM_001441168.1); c.934A>G, p.Ser312Gly (NM_001441169.1); c.664A>G, p.Ser222Gly (NM_001441172.1); short protein forms S222G, S305G, S306G, S312G, S313G.
Identifiers: ClinVar variation 4808031 (VCV004808031.1).

ClinVar aggregate classification (germline): Uncertain significance (1 of 4 stars; one submission).

Submission:

Labcorp Genetics (formerly Invitae), Labcorp
Classification: Uncertain significance. Last evaluated: 2025-08-10. Review status: criteria provided, single submitter. Criteria: Invitae Variant Classification Sherloc (09022015). Collection method: clinical testing. Allele origin: germline.
Comment: This sequence change replaces serine, which is neutral and polar, with glycine, which is neutral and non-polar, at codon 305 of the PHF21A protein (p.Ser305Gly). This variant is not present in population databases (gnomAD no frequency). This variant has not been reported in the literature in individuals affected with PHF21A-related conditions. Invitae Evidence Modeling of protein sequence and biophysical properties (such as structural, functional, and spatial information, amino acid conservation, physicochemical variation, residue mobility, and thermodynamic stability) indicates that this missense variant is not expected to disrupt PHF21A protein function with a negative predictive value of 80%. In summary, the available evidence is currently insufficient to determine the role of this variant in disease. Therefore, it has been classified as a Variant of Uncertain Significance.